The following is an entry in ClinVar:

ClinVar aggregate classification (germline): Pathogenic. Review status: criteria provided, single submitter (1 of 4 stars). 2 submissions from 2 submitters: Pathogenic (1). 1 of the submissions does not count toward it. Last evaluated 2026-04-08.

Conditions:
Inborn genetic diseases. Identifiers: MedGen C0950123, MeSH D030342.
Rare genetic intellectual disability. Identifiers: Orphanet 183757, MedGen C5680527.

Submissions (2):

Ambry Genetics
Classification: Pathogenic for Inborn genetic diseases. Last evaluated: 2026-04-08. Review status: criteria provided, single submitter. Criteria: Ambry Variant Classification Scheme 2023. Collection method: clinical testing. Allele origin: germline.
Comment: The c.1162_1166delAGAAC (p.R388Pfs*13) alteration, located in exon 8 (coding exon 8) of the MED13L gene, consists of a deletion of 5 nucleotides from position 1162 to 1166, causing a translational frameshift with a predicted alternate stop codon after 13 amino acids. This variant is expected to result in loss of function by premature protein truncation or nonsense-mediated mRNA decay. This variant was not reported in population-based cohorts in the Genome Aggregation Database (gnomAD). Based on the available evidence, this alteration is classified as pathogenic.

Service de Génétique Moléculaire, Hôpital Robert Debré
Classification: Likely pathogenic for Rare genetic intellectual disability. Review status: no assertion criteria provided. Collection method: clinical testing. Allele origin: unknown. Affected: yes. Not counted in ClinVar's aggregate classification.

NM_015335.5(MED13L):c.1162_1166del (p.Arg388fs)

Gene: MED13L (mediator complex subunit 13L; minus strand). Cytogenetic location: 12q24.21.
Variant type: Deletion.
Coding change: c.1162_1166del on transcript NM_015335.5 (MANE Select); coding-DNA positions 1162 to 1166, 5 bases deleted (AGAAC; older notation c.1162_1166delAGAAC).
Protein change: p.Arg388fs; shifts the reading frame from arginine 388.
Molecular consequence: frameshift variant.
Genome position (GRCh38, 1-based): chr12:116,015,118-116,015,122, GTTCT deleted on the plus strand (AGAAC on the coding strand, the reverse complement: MED13L is on the minus strand); deleting any 5 consecutive bases within chr12:116,015,118-116,015,125 gives the same sequence; the c. name uses the placement nearest the transcript's 3' end. VCF-style (leftmost placement, unchanged base first): chr12-116015117-GGTTCT-G. GRCh37 (hg19) VCF-style: chr12-116452922-GGTTCT-G.
Other names: short protein forms R388fs.
Identifiers: ClinVar variation 978403 (VCV000978403.2), dbSNP rs2499931368, ClinGen allele CA1139662905.
Genomic context (GRCh38, chr12:116,015,117, plus strand): 5'-ATCAAGGAGATGGTTACTAAACTATGATCTAGACATAATCGAGAAAACTTACTTGGACTG[GGTTCT>G]GTTGAGGATGCATTCCTTCCAGACTCGATGGACCATATGATTGTGGAGTTTTGGAGGAAT-3'